The following is an entry in ClinVar:

ClinVar aggregate classification (germline): Uncertain significance (1 of 4 stars; one submission).

Submission:

Ambry Genetics
Classification: Uncertain significance. Last evaluated: 2026-01-09. Review status: criteria provided, single submitter. Criteria: Ambry Variant Classification Scheme 2023. Collection method: clinical testing. Allele origin: germline.
Comment: The p.S486N variant (also known as c.1457G>A), located in coding exon 8 of the RNF43 gene, results from a G to A substitution at nucleotide position 1457. The serine at codon 486 is replaced by asparagine, an amino acid with highly similar properties. This amino acid position is conserved. In addition, this alteration is predicted to be tolerated by in silico analysis. Based on the available evidence, the clinical significance of this variant remains unclear.

NM_017763.6(RNF43):c.1457G>A (p.Ser486Asn)

Gene: RNF43 (ring finger protein 43; minus strand). Cytogenetic location: 17q22.
Variant type: single nucleotide variant.
Coding change: c.1457G>A on transcript NM_017763.6 (MANE Select); coding-DNA position 1457, G replaced by A.
Protein change: p.Ser486Asn; replaces serine 486 with asparagine.
Molecular consequence: missense variant.
Genome position (GRCh38, 1-based): chr17:58,358,319, C>T on the plus strand (G>A on the coding strand, the complement: RNF43 is on the minus strand). VCF-style: chr17-58358319-C-T. GRCh37 (hg19) VCF-style: chr17-56435680-C-T.
Other names: c.1457G>A, p.Ser486Asn (NM_001305544.3, NM_001438820.1, NM_001438821.1 and 1 more transcripts); c.1076G>A, p.Ser359Asn (NM_001305545.2, NM_001437987.1); short protein forms S486N, S359N.
Identifiers: ClinVar variation 4841973 (VCV004841973.1).
Genomic context (GRCh38, chr17:58,358,319, plus strand): 5'-TCAAAGTCACTGCTTAGGGAGCTGCAGAAAGTAGAACTGCTGCCATGGACCCCCTGTAGG[C>T]TGATGTCCGTGCAGTTGACCACAGAGTCACTGGAAGAGCCATGACAGGGCCCTGAGCTGG-3'
Protein context (NP_060233.3, residues 476-496): SDSVVNCTDI[Ser486Asn]LQGVHGSSST